The following is an entry in ClinVar:

NM_000059.4(BRCA2):c.7354A>G (p.Asn2452Asp)

Gene: BRCA2 (BRCA2 DNA repair associated; plus strand). Cytogenetic location: 13q13.1.
Variant type: single nucleotide variant.
Coding change: c.7354A>G on transcript NM_000059.4 (MANE Select); coding-DNA position 7354, A replaced by G.
Protein change: p.Asn2452Asp; replaces asparagine 2452 with aspartic acid.
Molecular consequence: missense variant.
Genome position (GRCh38, 1-based): chr13:32,355,207, A>G. VCF-style: chr13-32355207-A-G. GRCh37 (hg19) VCF-style: chr13-32929344-A-G.
Other names: 7582A>G; short protein forms N2452D.
Identifiers: ClinVar variation 91475 (VCV000091475.23), dbSNP rs398122580, ClinGen allele CA025040.

ClinVar aggregate classification (germline): Conflicting classifications of pathogenicity. Review status: criteria provided, conflicting classifications (1 of 4 stars). 7 submissions from 7 submitters: Uncertain significance (3); Likely benign (3). 1 of the submissions does not count toward it. Last evaluated 2025-03-14.

Conditions:
Hereditary breast ovarian cancer syndrome. Also called: Breast and ovarian cancer; Hereditary breast and ovarian cancer; Hereditary breast and ovarian cancer syndrome; BRCA1- and BRCA2-Associated Hereditary Breast and Ovarian Cancer; Hereditary breast and ovarian cancer syndrome (HBOC); Hereditary breast and/or ovarian cancer syndrome. Identifiers: Orphanet 145, MedGen C0677776, MeSH D061325, MONDO:0003582. Disease mechanism: loss of function.
Hereditary cancer-predisposing syndrome. Also called: Tumor predisposition; Hereditary Cancer Syndrome; Neoplastic Syndromes, Hereditary; Hereditary neoplastic syndrome. Identifiers: Orphanet 140162, MedGen C0027672, MeSH D009386, MONDO:0015356.
Breast-ovarian cancer, familial, susceptibility to, 2 (BROVCA2). Also called: BRCA2 Hereditary Breast and Ovarian Cancer. Identifiers: Orphanet 145, MedGen C2675520, MONDO:0012933, OMIM 612555. Disease mechanism: loss of function.

Allele frequency attached by ClinVar (database versions not stated): gnomAD exomes below 0.00001.
gnomAD v4.1: 1 of 1,613,462 alleles (0.000062%); highest among the groups gnomAD compares: Non-Finnish European, 0.000085%; no homozygotes.

Submissions (7):

Ambry Genetics
Classification: Likely benign for Hereditary cancer-predisposing syndrome. Last evaluated: 2025-03-14. Review status: criteria provided, single submitter. Criteria: Ambry Variant Classification Scheme 2023. Collection method: clinical testing. Allele origin: germline.

Women's Health and Genetics/Laboratory Corporation of America, LabCorp
Classification: Uncertain significance. Last evaluated: 2024-12-02. Review status: criteria provided, single submitter. Criteria: LabCorp Variant Classification Summary - May 2015. Collection method: clinical testing. Allele origin: germline.
Comment: Variant summary: BRCA2 c.7354A>G (p.Asn2452Asp) results in a conservative amino acid change in the encoded protein sequence. Five of five in-silico tools predict a benign effect of the variant on protein function. The variant was absent in 251098 control chromosomes. The available data on variant occurrences in the general population are insufficient to allow any conclusion about variant significance. c.7354A>G has been reported in the literature in an individual with a personal or family history of breast cancer (D'Argenio_2015). These report(s) do not provide unequivocal conclusions about association of the variant with Hereditary Breast And Ovarian Cancer Syndrome. At least one publication reports experimental evidence evaluating an impact on protein function, however, does not allow convincing conclusions about the variant effect (Warren_2011). The following publications have been ascertained in the context of this evaluation (PMID: 21741379, 25896959). ClinVar contains an entry for this variant (Variation ID: 91475). Based on the evidence outlined above, the variant was classified as uncertain significance.

Labcorp Genetics (formerly Invitae), Labcorp
Classification: Uncertain significance for Hereditary breast ovarian cancer syndrome. Last evaluated: 2024-01-08. Review status: criteria provided, single submitter. Criteria: Invitae Variant Classification Sherloc (09022015). Collection method: clinical testing. Allele origin: germline.
Comment: This sequence change replaces asparagine, which is neutral and polar, with aspartic acid, which is acidic and polar, at codon 2452 of the BRCA2 protein (p.Asn2452Asp). This variant is not present in population databases (gnomAD no frequency). This missense change has been observed in individual(s) with breast cancer and/or a family history of breast cancer (PMID: 21741379). ClinVar contains an entry for this variant (Variation ID: 91475). Advanced modeling of protein sequence and biophysical properties (such as structural, functional, and spatial information, amino acid conservation, physicochemical variation, residue mobility, and thermodynamic stability) performed at Invitae indicates that this missense variant is not expected to disrupt BRCA2 protein function with a negative predictive value of 95%. Experimental studies have shown that this missense change does not substantially affect BRCA2 function (PMID: 21741379). In summary, the available evidence is currently insufficient to determine the role of this variant in disease. Therefore, it has been classified as a Variant of Uncertain Significance.

St. Jude Molecular Pathology, St. Jude Children's Research Hospital
Classification: Uncertain significance for Breast-ovarian cancer, familial, susceptibility to, 2. Last evaluated: 2023-03-29. Review status: criteria provided, single submitter. Criteria: St. Jude Assertion Criteria 2020. Collection method: clinical testing. Allele origin: germline.
Comment: The BRCA2 c.7354A>G (p.Asn2452Asp) missense change is absent in gnomAD v2.1.1. The in silico tool REVEL predicts a benign effect on protein function, and functional studies show this variant may behave similar to wild type (PMID: 21741379). This variant is absent in a database of women older than 70 years of age who have never had cancer (FLOSSIES database). This variant has been reported in an individual with a personal and/or family history of breast cancer (PMID: 25896959). To our knowledge, this variant has not been reported in individuals with Fanconi anemia. In summary, the evidence currently available is insufficient to determine the clinical significance of this variant. It has therefore been classified as of uncertain significance.

GeneDx
Classification: Likely benign. Last evaluated: 2020-08-25. Review status: criteria provided, single submitter. Criteria: GeneDx Variant Classification Process June 2021. Collection method: clinical testing. Allele origin: germline. Affected: yes.
Comment: This variant is associated with the following publications: (PMID: 25896959, 21741379)

Color Diagnostics, LLC DBA Color Health
Classification: Likely benign for Hereditary cancer-predisposing syndrome. Last evaluated: 2016-06-21. Review status: criteria provided, single submitter. Criteria: ACMG Guidelines, 2015. Collection method: clinical testing. Allele origin: germline.

Sharing Clinical Reports Project (SCRP)
Classification: Uncertain significance for Breast-ovarian cancer, familial 2. Last evaluated: 2009-12-15. Review status: no assertion criteria provided. Collection method: clinical testing. Allele origin: germline. Not counted in ClinVar's aggregate classification.

Literature cited by the submitters: PubMed 21741379 (cited by Women's Health and Genetics/Laboratory Corporation of America, LabCorp and Labcorp Genetics (formerly Invitae), Labcorp); PubMed 25896959 (cited by Women's Health and Genetics/Laboratory Corporation of America, LabCorp).